The following is an entry in ClinVar:

NM_005629.4(SLC6A8):c.1500_1504delinsAGGA (p.Asp501fs)

Gene: SLC6A8 (solute carrier family 6 member 8; plus strand). Cytogenetic location: Xq28.
Variant type: Indel.
Coding change: c.1500_1504delinsAGGA on transcript NM_005629.4 (MANE Select); coding-DNA positions 1500 to 1504, TGACC replaced by AGGA.
Protein change: p.Asp501fs; shifts the reading frame from aspartic acid 501.
Molecular consequence: frameshift variant.
Genome position (GRCh38, 1-based): chrX:153,694,537-153,694,541, TGACC replaced by AGGA. VCF-style: chrX-153694537-TGACC-AGGA. GRCh37 (hg19) VCF-style: chrX-152959992-TGACC-AGGA.
Other names: c.1470_1474delinsAGGA, p.Asp491fs (NM_001142805.2); c.1155_1159delinsAGGA, p.Asp386fs (NM_001142806.1); c.1500_1504delinsAGGA (NM_005629.3); short protein forms D386fs, D491fs, D501fs.
Identifiers: ClinVar variation 3777160 (VCV003777160.1).
Genomic context (GRCh38, chrX:153,694,537, plus strand): 5'-ATGGTGGCGGGGAAGGCAGGTCTCCAGCTTGGCCCTCCCGCCTCACCTCGCCGCAGGAGC[TGACC>AGGA]GCTTCATGGACGACATTGCCTGTATGATCGGGTACCGACCTTGCCCCTGGATGAAATGGT-3'

ClinVar aggregate classification (germline): Likely pathogenic (1 of 4 stars; one submission).

Conditions:
Creatine transporter deficiency (CCDS1). Also called: CEREBRAL CREATINE DEFICIENCY SYNDROME 1; Creatine Transporter (CRTR) Deficiency; Mental retardation , X-linked with seizures, short stature and midface hypoplasia; Mental retardation , X-linked, with creatine transport deficiency; X-linked creatine transporter deficiency; X-linked creatine deficiency syndrome. Identifiers: Orphanet 52503, MedGen C1845862, MONDO:0010305, OMIM 300352.

Submission:

University of Washington Department of Laboratory Medicine, University of Washington
Classification: Likely pathogenic for Creatine transporter deficiency. Last evaluated: 2022-01-19. Review status: criteria provided, single submitter. Criteria: ACMG Guidelines, 2015. Collection method: clinical testing. Allele origin: maternal. Affected: yes.
Comment: The p.Asp501Glyfs*10 variant in the SLC6A8 gene has not been previously reported in association with disease and was absent from large population databases, including the Genome Aggregation Database. The p.Asp501Glyfs*10 variant results in an insertion-deletion event in exon 11 of 13 exons, which causes a shift in the protein reading frame, leading to a premature termination codon 10 amino acids downstream. This change is predicted to result in nonsense-mediated decay and absent protein expression. These predictions have not been tested directly. Hemizygous loss of function is an established mechanism of disease. Using ACMG guidelines, this variant was classified as likely pathogenic for X-linked creatine transporter deficiency (ACMG evidence codes used: PVS1, PM2_supporting).